The following is an entry in ClinVar:

NM_006019.4(TCIRG1):c.1667_1672delinsCC (p.Asn556fs)

Gene: TCIRG1 (T cell immune regulator 1, ATPase H+ transporting V0 subunit a3; plus strand). Cytogenetic location: 11q13.2.
Variant type: Indel.
Coding change: c.1667_1672delinsCC on transcript NM_006019.4 (MANE Select); coding-DNA positions 1667 to 1672, ACCACG replaced by CC.
Protein change: p.Asn556fs; shifts the reading frame from asparagine 556.
Molecular consequence: frameshift variant.
Genome position (GRCh38, 1-based): chr11:68,048,991-68,048,996, ACCACG replaced by CC. VCF-style: chr11-68048991-ACCACG-CC. GRCh37 (hg19) VCF-style: chr11-67816458-ACCACG-CC.
Other names: c.773_778delinsCC, p.Asn258fs (NM_001351059.2); c.1667_1672delinsCC, p.Asn556fs (NM_001440552.1, NM_001440553.1, NM_001440554.1 and 2 more transcripts); c.1625_1630delinsCC, p.Asn542fs (NM_001440555.1, NM_001440556.1, NM_001440563.1); c.1454_1459delinsCC, p.Asn485fs (NM_001440559.1, NM_001440560.1, NM_001440561.1 and 2 more transcripts); c.1412_1417delinsCC, p.Asn471fs (NM_001440564.1); c.1367_1372delinsCC, p.Asn456fs (NM_001440565.1); c.1205_1210delinsCC, p.Asn402fs (NM_001440567.1); c.1199_1204delinsCC, p.Asn400fs (NM_001440568.1); and 2 more; short protein forms N236fs, N258fs, N340fs, N400fs, N402fs, N456fs, N471fs, N485fs.
Identifiers: ClinVar variation 4855928 (VCV004855928.1).

ClinVar aggregate classification (germline): Likely pathogenic (1 of 4 stars; one submission).

Conditions:
Autosomal recessive osteopetrosis 1. Also called: TCIRG1-Related Autosomal Recessive Osteopetrosis; TCIRG1-Related Osteopetrosis; ALBERS-SCHONBERG DISEASE, AUTOSOMAL RECESSIVE. Identifiers: Orphanet 667, MedGen C1850127, MONDO:0009815, OMIM 259700.

Submission:

3billion
Classification: Likely pathogenic for Autosomal recessive osteopetrosis 1. Last evaluated: 2025-11-23. Review status: criteria provided, single submitter. Criteria: ACMG Guidelines, 2015. Collection method: clinical testing. Allele origin: germline. Affected: yes.
Comment: The variant is not observed in the gnomAD v4.1.0 dataset. Predicted Consequence/Location: Frameshift: predicted to result in a loss or disruption of normal protein function through nonsense-mediated decay (NMD) or protein truncation. Multiple pathogenic variants are reported downstream of the variant. Therefore, this variant is classified as Likely pathogenic according to the recommendation of ACMG/AMP guideline.